The following is an entry in ClinVar:

NM_020166.5(MCCC1):c.1268-1G>A

Gene: MCCC1 (methylcrotonyl-CoA carboxylase subunit 1; minus strand). Cytogenetic location: 3q27.1.
Variant type: single nucleotide variant.
Coding change: c.1268-1G>A on transcript NM_020166.5 (MANE Select); the canonical splice acceptor site of the intron before coding-DNA position 1268, G replaced by A.
Molecular consequence: splice acceptor variant.
Genome position (GRCh38, 1-based): chr3:183,039,136, C>T on the plus strand (G>A on the coding strand, the complement: MCCC1 is on the minus strand). VCF-style: chr3-183039136-C-T. GRCh37 (hg19) VCF-style: chr3-182756924-C-T.
Other names: c.941-1G>A (NM_001363880.1); c.917-1G>A (NM_001293273.2).
Identifiers: ClinVar variation 641648 (VCV000641648.8), dbSNP rs1191868168, ClinGen allele CA355322081.

ClinVar aggregate classification (germline): Pathogenic. Review status: criteria provided, multiple submitters, no conflicts (2 of 4 stars). 2 submissions from 2 submitters: Pathogenic (2). Last evaluated 2024-03-07.

Conditions:
3-methylcrotonyl-CoA carboxylase 1 deficiency (MCC1D). Also called: MCCD TYPE 1; METHYLCROTONYLGLYCINURIA TYPE I; MCC 1 deficiency; 3 Alpha methylcrotonylglycinuria 1. Identifiers: Orphanet 6, MedGen CN028786, MONDO:0008861, OMIM 210200.

Allele frequency attached by ClinVar (database versions not stated): gnomAD exomes below 0.00001; gnomAD 0.00001.
gnomAD v4.1: 2 of 1,614,028 alleles (0.00012%); highest among the groups gnomAD compares: East Asian, 0.0022%; no homozygotes.

Submissions (2):

Natera, Inc.
Classification: Pathogenic for 3-methylcrotonyl-CoA carboxylase 1 deficiency. Last evaluated: 2024-03-07. Review status: criteria provided, single submitter. Criteria: Natera Variant Classification Schema (03/2026). Collection method: clinical testing. Allele origin: germline.
Comment: The c.1268-1G>A variant in MCCC1 is a canonical splice acceptor site variant predicted to affect pre-mRNA splicing, which may result in an abnormal transcript and altered protein product. This variant is expected to result in nonsense mediated decay, truncation, or a dysfunctional protein product. This variant is rare in the general population with a frequency below the threshold expected for the associated phenotype(s). Another variant at this same site results in an alteration predicted to cause a similar molecular effect has been observed in individual(s) with the associated phenotype. Given the available evidence, this variant is classified as Pathogenic.

Labcorp Genetics (formerly Invitae), Labcorp
Classification: Pathogenic for 3-methylcrotonyl-CoA carboxylase 1 deficiency. Last evaluated: 2024-02-06. Review status: criteria provided, single submitter. Criteria: Invitae Variant Classification Sherloc (09022015). Collection method: clinical testing. Allele origin: germline.
Comment: This sequence change affects an acceptor splice site in intron 11 of the MCCC1 gene. It is expected to disrupt RNA splicing. Variants that disrupt the donor or acceptor splice site typically lead to a loss of protein function (PMID: 16199547), and loss-of-function variants in MCCC1 are known to be pathogenic (PMID: 11181649, 15359379, 22642865). This variant is present in population databases (no rsID available, gnomAD 0.005%). Disruption of this splice site has been observed in individual(s) with 3 Methylcrotonyl-CoA carboxylase deficiency (PMID: 16835865). ClinVar contains an entry for this variant (Variation ID: 641648). Algorithms developed to predict the effect of sequence changes on RNA splicing suggest that this variant may disrupt the consensus splice site. For these reasons, this variant has been classified as Pathogenic.

Literature cited by the submitters: PubMed 16199547 (cited by Labcorp Genetics (formerly Invitae), Labcorp); PubMed 11181649 (cited by Labcorp Genetics (formerly Invitae), Labcorp); PubMed 15359379 (cited by Labcorp Genetics (formerly Invitae), Labcorp); PubMed 22642865 (cited by Labcorp Genetics (formerly Invitae), Labcorp); PubMed 16835865 (cited by Labcorp Genetics (formerly Invitae), Labcorp).